The following is an entry in ClinVar:

ClinVar aggregate classification (germline): Uncertain significance (1 of 4 stars; one submission).

Conditions:
Bloom syndrome (BLM). Also called: Bloom-Torre-Machacek syndrome. Identifiers: Orphanet 125, MedGen C0005859, MONDO:0008876, OMIM 210900.

Submission:

Labcorp Genetics (formerly Invitae), Labcorp
Classification: Uncertain significance for Bloom syndrome. Last evaluated: 2025-04-13. Review status: criteria provided, single submitter. Criteria: Invitae Variant Classification Sherloc (09022015). Collection method: clinical testing. Allele origin: germline.
Comment: This sequence change replaces leucine, which is neutral and non-polar, with phenylalanine, which is neutral and non-polar, at codon 753 of the BLM protein (p.Leu753Phe). This variant is not present in population databases (gnomAD no frequency). This variant has not been reported in the literature in individuals affected with BLM-related conditions. Invitae Evidence Modeling of protein sequence and biophysical properties (such as structural, functional, and spatial information, amino acid conservation, physicochemical variation, residue mobility, and thermodynamic stability) indicates that this missense variant is expected to disrupt BLM protein function with a positive predictive value of 80%. In summary, the available evidence is currently insufficient to determine the role of this variant in disease. Therefore, it has been classified as a Variant of Uncertain Significance.

NM_000057.4(BLM):c.2259A>C (p.Leu753Phe)

Gene: BLM (BLM RecQ like helicase; plus strand). Cytogenetic location: 15q26.1.
Variant type: single nucleotide variant.
Coding change: c.2259A>C on transcript NM_000057.4 (MANE Select); coding-DNA position 2259, A replaced by C.
Protein change: p.Leu753Phe; replaces leucine 753 with phenylalanine.
Molecular consequence: missense variant.
Genome position (GRCh38, 1-based): chr15:90,766,975, A>C. VCF-style: chr15-90766975-A-C. GRCh37 (hg19) VCF-style: chr15-91310205-A-C.
Other names: c.2259A>C, p.Leu753Phe (NM_001287246.2, NM_001287247.2); c.1134A>C, p.Leu378Phe (NM_001287248.2); short protein forms L753F, L378F.
Identifiers: ClinVar variation 4741713 (VCV004741713.1).